The following is an entry in ClinVar:

NM_006384.4(CIB1):c.437C>T (p.Ala146Val)

Gene: CIB1 (calcium and integrin binding 1; minus strand). Cytogenetic location: 15q26.1.
Variant type: single nucleotide variant.
Coding change: c.437C>T on transcript NM_006384.4 (MANE Select); coding-DNA position 437, C replaced by T.
Protein change: p.Ala146Val; replaces alanine 146 with valine.
Molecular consequence: missense variant. On other transcripts: non-coding transcript variant (2).
Genome position (GRCh38, 1-based): chr15:90,231,123, G>A on the plus strand (C>T on the coding strand, the complement: CIB1 is on the minus strand). VCF-style: chr15-90231123-G-A. GRCh37 (hg19) VCF-style: chr15-90774355-G-A.
Other names: c.557C>T, p.Ala186Val (NM_001277764.2); short protein forms A146V, A186V.
Identifiers: ClinVar variation 998758 (VCV000998758.9), dbSNP rs560810851, ClinGen allele CA7734181.

ClinVar aggregate classification (germline): Uncertain significance (1 of 4 stars; one submission).

Allele frequency attached by ClinVar (database versions not stated): gnomAD 0.00001; TOPMed 0.00001; ExAC 0.00002; 1000 Genomes Project 30x 0.00016; 1000 Genomes Project 0.00020.
gnomAD v4.1: 25 of 1,614,182 alleles (0.0015%); highest among the groups gnomAD compares: South Asian, 0.0022%; no homozygotes.

Submission:

Labcorp Genetics (formerly Invitae), Labcorp
Classification: Uncertain significance. Last evaluated: 2025-08-18. Review status: criteria provided, single submitter. Criteria: Invitae Variant Classification Sherloc (09022015). Collection method: clinical testing. Allele origin: germline.
Comment: This sequence change replaces alanine, which is neutral and non-polar, with valine, which is neutral and non-polar, at codon 186 of the CIB1 protein (p.Ala186Val). This variant is present in population databases (rs560810851, gnomAD 0.007%). This variant has not been reported in the literature in individuals affected with CIB1-related conditions. ClinVar contains an entry for this variant (Variation ID: 998758). Experimental studies and prediction algorithms are not available or were not evaluated, and the functional significance of this variant is currently unknown. In summary, the available evidence is currently insufficient to determine the role of this variant in disease. Therefore, it has been classified as a Variant of Uncertain Significance.